The following is an entry in ClinVar:

NM_002095.6(GTF2E2):c.142T>C (p.Ser48Pro)

Gene: GTF2E2 (general transcription factor IIE subunit 2; minus strand). Cytogenetic location: 8p12.
Variant type: single nucleotide variant.
Coding change: c.142T>C on transcript NM_002095.6 (MANE Select); coding-DNA position 142, T replaced by C.
Protein change: p.Ser48Pro; replaces serine 48 with proline.
Molecular consequence: missense variant.
Genome position (GRCh38, 1-based): chr8:30,653,457, A>G on the plus strand (T>C on the coding strand, the complement: GTF2E2 is on the minus strand). VCF-style: chr8-30653457-A-G. GRCh37 (hg19) VCF-style: chr8-30510974-A-G.
Other names: c.142T>C, p.Ser48Pro (NM_001348353.1); short protein forms S48P.
Identifiers: ClinVar variation 1366190 (VCV001366190.3), dbSNP rs771803770, ClinGen allele CA4701093.

ClinVar aggregate classification (germline): Uncertain significance (1 of 4 stars; one submission).

Allele frequency attached by ClinVar (database versions not stated): gnomAD exomes 0.00001 and 0.00004; ExAC 0.00002; gnomAD 0.00006; TOPMed 0.00006.
gnomAD v4.1: 23 of 1,613,470 alleles (0.0014%); highest among the groups gnomAD compares: Admixed American, 0.022%; no homozygotes.

Submission:

Labcorp Genetics (formerly Invitae), Labcorp
Classification: Uncertain significance. Last evaluated: 2021-12-06. Review status: criteria provided, single submitter. Criteria: Invitae Variant Classification Sherloc (09022015). Collection method: clinical testing. Allele origin: germline.
Comment: This sequence change replaces serine, which is neutral and polar, with proline, which is neutral and non-polar, at codon 48 of the GTF2E2 protein (p.Ser48Pro). This variant is present in population databases (rs771803770, gnomAD 0.03%). This variant has not been reported in the literature in individuals affected with GTF2E2-related conditions. Algorithms developed to predict the effect of missense changes on protein structure and function (SIFT, PolyPhen-2, Align-GVGD) all suggest that this variant is likely to be tolerated. In summary, the available evidence is currently insufficient to determine the role of this variant in disease. Therefore, it has been classified as a Variant of Uncertain Significance.